The following is an entry in ClinVar:

ClinVar aggregate classification (germline): Uncertain significance. Review status: criteria provided, single submitter (1 of 4 stars). 2 submissions from 2 submitters: Uncertain significance (1). 1 of the submissions does not count toward it. Last evaluated 2024-09-06.

Conditions:
Gastric cancer. Also called: Stomach cancer; Malignant tumor of stomach. Identifiers: MedGen C0024623, MeSH D013274, MONDO:0001056, OMIM 613659, HP:0012126.
Hereditary cancer-predisposing syndrome. Also called: Neoplastic Syndromes, Hereditary; Tumor predisposition; Hereditary Cancer Syndrome; Hereditary neoplastic syndrome. Identifiers: Orphanet 140162, MedGen C0027672, MeSH D009386, MONDO:0015356.

Allele frequency attached by ClinVar (database versions not stated): gnomAD exomes below 0.00001.

Submissions (2):

Ambry Genetics
Classification: Uncertain significance for Hereditary cancer-predisposing syndrome. Last evaluated: 2024-09-06. Review status: criteria provided, single submitter. Criteria: Ambry Variant Classification Scheme 2023. Collection method: clinical testing. Allele origin: germline.
Comment: The p.W195* variant (also known as c.585G>A), located in coding exon 1 of the HOXB13 gene, results from a G to A substitution at nucleotide position 585. This changes the amino acid from a tryptophan to a stop codon within coding exon 1. This alteration occurs at the 3' terminus of theHOXB13 gene, is not expected to trigger nonsense-mediated mRNAdecay, and only impacts the last 32% of the protein. The exact functional effect of this alteration is unknown. Based on the available evidence, the clinical significance of this alteration remains unclear.

Laboratory for Genotyping Development, RIKEN
Classification: Pathogenic for Gastric cancer. Last evaluated: 2021-07-01. Review status: no assertion criteria provided. Collection method: research. Allele origin: germline. Not counted in ClinVar's aggregate classification.

Literature cited by the submitters: PubMed 36988593 (cited by Laboratory for Genotyping Development, RIKEN).

NM_006361.6(HOXB13):c.585G>A (p.Trp195Ter)

Gene: HOXB13 (homeobox B13; minus strand). Cytogenetic location: 17q21.32.
Variant type: single nucleotide variant.
Coding change: c.585G>A on transcript NM_006361.6 (MANE Select); coding-DNA position 585, G replaced by A.
Protein change: p.Trp195Ter; replaces tryptophan 195 with a stop codon.
Molecular consequence: nonsense.
Genome position (GRCh38, 1-based): chr17:48,728,009, C>T on the plus strand (G>A on the coding strand, the complement: HOXB13 is on the minus strand). VCF-style: chr17-48728009-C-T. GRCh37 (hg19) VCF-style: chr17-46805371-C-T.
Other names: short protein forms W195*.
Identifiers: ClinVar variation 826013 (VCV000826013.23), dbSNP rs867793282, ClinGen allele CA291350144.